The following is an entry in ClinVar:

ClinVar aggregate classification (germline): Uncertain significance (1 of 4 stars; one submission).

Conditions:
Spastic paraplegia. Identifiers: MedGen C0037772, HP:0001258.

Submission:

Labcorp Genetics (formerly Invitae), Labcorp
Classification: Uncertain significance for Spastic paraplegia. Last evaluated: 2025-04-15. Review status: criteria provided, single submitter. Criteria: Invitae Variant Classification Sherloc (09022015). Collection method: clinical testing. Allele origin: germline.
Comment: This sequence change creates a premature translational stop signal (p.Ser120Phefs*10) in the ZFYVE27 gene. It is expected to result in an absent or disrupted protein product. However, the current clinical and genetic evidence is not sufficient to establish whether loss-of-function variants in ZFYVE27 cause disease. This variant is not present in population databases (gnomAD no frequency). This variant has not been reported in the literature in individuals affected with ZFYVE27-related conditions. In summary, the available evidence is currently insufficient to determine the role of this variant in disease. Therefore, it has been classified as a Variant of Uncertain Significance.

NM_001385875.1(ZFYVE27):c.358_359insTCCGAGCTGATGCGGAGGAAGTATCATAGCGTGAGGCAGGAGGACCTGCAGAGAGTTCGCCTGTCTCGTCCCGAGGCCGTGGCTGAGGTGAAGAGCTTGTGAGTATGGAAGAGAGGCCAGGGAGGTGGGGGAACAGTAACAGCAGCCATGGCACTAAGTGCTAGCTTTGTGTGCTCGACATCATATTAGGCAAACCACAGCTGTTATTTCATTTAACCTTTTTAACAGTTCCGGGAGGTAGTTAATATTAACATCTTCCATTTATGGGTAAAGAAAAAGGCTGACTTACTTAGCTAGAAAGTGGCCAAGCTGGGATGAGAATCTCGATCTAGCTGTTTTCACAGCTTCTGTTCTTTCTTTCTTTCTTTTTTTTT (p.Ser120delinsPheArgAlaAspAlaGluGluValSerTer)

Gene: ZFYVE27 (zinc finger FYVE-type containing 27; plus strand). Cytogenetic location: 10q24.2.
Variant type: Insertion.
Coding change: c.358_359insTCCGAGCTGATGCGGAGGAAGTATCATAGCGTGAGGCAGGAGGACCTGCAGAGAGTTCGCCTGTCTCGTCCCGAGGCCGTGGCTGAGGTGAAGAGCTTGTGAGTATGGAAGAGAGGCCAGGGAGGTGGGGGAACAGTAACAGCAGCCATGGCACTAAGTGCTAGCTTTGTGTGCTCGACATCATATTAGGCAAACCACAGCTGTTATTTCATTTAACCTTTTTAACAGTTCCGGGAGGTAGTTAATATTAACATCTTCCATTTATGGGTAAAGAAAAAGGCTGACTTACTTAGCTAGAAAGTGGCCAAGCTGGGATGAGAATCTCGATCTAGCTGTTTTCACAGCTTCTGTTCTTTCTTTCTTTCTTTTTTTTT on transcript NM_001385875.1 (MANE Select); coding-DNA positions 358 to 359, TCCGAGCTGATGCGGAGGAAGTATCATAGCGTGAGGCAGGAGGACCTGCAGAGAGTTCGCCTGTCTCGTCCCGAGGCCGTGGCTGAGGTGAAGAGCTTGTGAGTATGGAAGAGAGGCCAGGGAGGTGGGGGAACAGTAACAGCAGCCATGGCACTAAGTGCTAGCTTTGTGTGCTCGACATCATATTAGGCAAACCACAGCTGTTATTTCATTTAACCTTTTTAACAGTTCCGGGAGGTAGTTAATATTAACATCTTCCATTTATGGGTAAAGAAAAAGGCTGACTTACTTAGCTAGAAAGTGGCCAAGCTGGGATGAGAATCTCGATCTAGCTGTTTTCACAGCTTCTGTTCTTTCTTTCTTTCTTTTTTTTT inserted.
Protein change: p.Ser120delinsPheArgAlaAspAlaGluGluValSerTer.
Molecular consequence: nonsense. On other transcripts: intron variant (9), non-coding transcript variant (15).
Genome position: GRCh38: chr10:97,744,818-97,744,819. GRCh37 (hg19): chr10:99,504,575-99,504,576.
Other names: c.198-3451_198-3450insTCCGAGCTGATGCGGAGGAAGTATCATAGCGTGAGGCAGGAGGACCTGCAGAGAGTTCGCCTGTCTCGTCCCGAGGCCGTGGCTGAGGTGAAGAGCTTGTGAGTATGGAAGAGAGGCCAGGGAGGTGGGGGAACAGTAACAGCAGCCATGGCACTAAGTGCTAGCTTTGTGTGCTCGACATCATATTAGGCAAACCACAGCTGTTATTTCATTTAACCTTTTTAACAGTTCCGGGAGGTAGTTAATATTAACATCTTCCATTTATGGGTAAAGAAAAAGGCTGACTTACTTAGCTAGAAAGTGGCCAAGCTGGGATGAGAATCTCGATCTAGCTGTTTTCACAGCTTCTGTTCTTTCTTTCTTTCTTTTTTTTT (NM_001385901.1, NM_001385911.1, NM_001385902.1 and 3 more transcripts); c.358_359insTCCGAGCTGATGCGGAGGAAGTATCATAGCGTGAGGCAGGAGGACCTGCAGAGAGTTCGCCTGTCTCGTCCCGAGGCCGTGGCTGAGGTGAAGAGCTTGTGAGTATGGAAGAGAGGCCAGGGAGGTGGGGGAACAGTAACAGCAGCCATGGCACTAAGTGCTAGCTTTGTGTGCTCGACATCATATTAGGCAAACCACAGCTGTTATTTCATTTAACCTTTTTAACAGTTCCGGGAGGTAGTTAATATTAACATCTTCCATTTATGGGTAAAGAAAAAGGCTGACTTACTTAGCTAGAAAGTGGCCAAGCTGGGATGAGAATCTCGATCTAGCTGTTTTCACAGCTTCTGTTCTTTCTTTCTTTCTTTTTTTTT, p.Ser120delinsPheArgAlaAspAlaGluGluValSerTer (NM_001385877.1, NM_001385878.1, NM_001385879.1 and 10 more transcripts); c.322_323insTCCGAGCTGATGCGGAGGAAGTATCATAGCGTGAGGCAGGAGGACCTGCAGAGAGTTCGCCTGTCTCGTCCCGAGGCCGTGGCTGAGGTGAAGAGCTTGTGAGTATGGAAGAGAGGCCAGGGAGGTGGGGGAACAGTAACAGCAGCCATGGCACTAAGTGCTAGCTTTGTGTGCTCGACATCATATTAGGCAAACCACAGCTGTTATTTCATTTAACCTTTTTAACAGTTCCGGGAGGTAGTTAATATTAACATCTTCCATTTATGGGTAAAGAAAAAGGCTGACTTACTTAGCTAGAAAGTGGCCAAGCTGGGATGAGAATCTCGATCTAGCTGTTTTCACAGCTTCTGTTCTTTCTTTCTTTCTTTTTTTTT, p.Ser108delinsPheArgAlaAspAlaGluGluValSerTer (NM_001385881.1); c.262_263insTCCGAGCTGATGCGGAGGAAGTATCATAGCGTGAGGCAGGAGGACCTGCAGAGAGTTCGCCTGTCTCGTCCCGAGGCCGTGGCTGAGGTGAAGAGCTTGTGAGTATGGAAGAGAGGCCAGGGAGGTGGGGGAACAGTAACAGCAGCCATGGCACTAAGTGCTAGCTTTGTGTGCTCGACATCATATTAGGCAAACCACAGCTGTTATTTCATTTAACCTTTTTAACAGTTCCGGGAGGTAGTTAATATTAACATCTTCCATTTATGGGTAAAGAAAAAGGCTGACTTACTTAGCTAGAAAGTGGCCAAGCTGGGATGAGAATCTCGATCTAGCTGTTTTCACAGCTTCTGTTCTTTCTTTCTTTCTTTTTTTTT, p.Ser88delinsPheArgAlaAspAlaGluGluValSerTer (NM_001385885.1, NM_001385887.1, NM_001385888.1 and 1 more transcripts); c.154_155insTCCGAGCTGATGCGGAGGAAGTATCATAGCGTGAGGCAGGAGGACCTGCAGAGAGTTCGCCTGTCTCGTCCCGAGGCCGTGGCTGAGGTGAAGAGCTTGTGAGTATGGAAGAGAGGCCAGGGAGGTGGGGGAACAGTAACAGCAGCCATGGCACTAAGTGCTAGCTTTGTGTGCTCGACATCATATTAGGCAAACCACAGCTGTTATTTCATTTAACCTTTTTAACAGTTCCGGGAGGTAGTTAATATTAACATCTTCCATTTATGGGTAAAGAAAAAGGCTGACTTACTTAGCTAGAAAGTGGCCAAGCTGGGATGAGAATCTCGATCTAGCTGTTTTCACAGCTTCTGTTCTTTCTTTCTTTCTTTTTTTTT, p.Ser52delinsPheArgAlaAspAlaGluGluValSerTer (NM_001385890.1, NM_001385891.1, NM_001385892.1 and 6 more transcripts); c.121_122insTCCGAGCTGATGCGGAGGAAGTATCATAGCGTGAGGCAGGAGGACCTGCAGAGAGTTCGCCTGTCTCGTCCCGAGGCCGTGGCTGAGGTGAAGAGCTTGTGAGTATGGAAGAGAGGCCAGGGAGGTGGGGGAACAGTAACAGCAGCCATGGCACTAAGTGCTAGCTTTGTGTGCTCGACATCATATTAGGCAAACCACAGCTGTTATTTCATTTAACCTTTTTAACAGTTCCGGGAGGTAGTTAATATTAACATCTTCCATTTATGGGTAAAGAAAAAGGCTGACTTACTTAGCTAGAAAGTGGCCAAGCTGGGATGAGAATCTCGATCTAGCTGTTTTCACAGCTTCTGTTCTTTCTTTCTTTCTTTTTTTTT, p.Ser41delinsPheArgAlaAspAlaGluGluValSerTer (NM_001385899.1, NM_001385900.1, NM_001385903.1 and 3 more transcripts); c.64_65insTCCGAGCTGATGCGGAGGAAGTATCATAGCGTGAGGCAGGAGGACCTGCAGAGAGTTCGCCTGTCTCGTCCCGAGGCCGTGGCTGAGGTGAAGAGCTTGTGAGTATGGAAGAGAGGCCAGGGAGGTGGGGGAACAGTAACAGCAGCCATGGCACTAAGTGCTAGCTTTGTGTGCTCGACATCATATTAGGCAAACCACAGCTGTTATTTCATTTAACCTTTTTAACAGTTCCGGGAGGTAGTTAATATTAACATCTTCCATTTATGGGTAAAGAAAAAGGCTGACTTACTTAGCTAGAAAGTGGCCAAGCTGGGATGAGAATCTCGATCTAGCTGTTTTCACAGCTTCTGTTCTTTCTTTCTTTCTTTTTTTTT, p.Ser22delinsPheArgAlaAspAlaGluGluValSerTer (NM_001385915.1, NM_001174121.2); c.198-4656_198-4655insTCCGAGCTGATGCGGAGGAAGTATCATAGCGTGAGGCAGGAGGACCTGCAGAGAGTTCGCCTGTCTCGTCCCGAGGCCGTGGCTGAGGTGAAGAGCTTGTGAGTATGGAAGAGAGGCCAGGGAGGTGGGGGAACAGTAACAGCAGCCATGGCACTAAGTGCTAGCTTTGTGTGCTCGACATCATATTAGGCAAACCACAGCTGTTATTTCATTTAACCTTTTTAACAGTTCCGGGAGGTAGTTAATATTAACATCTTCCATTTATGGGTAAAGAAAAAGGCTGACTTACTTAGCTAGAAAGTGGCCAAGCTGGGATGAGAATCTCGATCTAGCTGTTTTCACAGCTTCTGTTCTTTCTTTCTTTCTTTTTTTTT (NM_001385918.1, NM_001174122.2); and 2 more.
Identifiers: ClinVar variation 4717570 (VCV004717570.1).